The following is an entry in ClinVar:

ClinVar aggregate classification (germline): Likely benign (0 of 4 stars; one submission).

Conditions:
GAD1-related disorder. Also called: GAD1-related condition.

Allele frequency attached by ClinVar (database versions not stated): gnomAD 0.00001.
gnomAD v4.1: 1 of 1,613,574 alleles (0.000062%); highest among the groups gnomAD compares: Admixed American, 0.0017%; no homozygotes.

Submission:

PreventionGenetics, part of Exact Sciences
Classification: Likely benign for GAD1-related condition. Last evaluated: 2019-08-15. Review status: no assertion criteria provided. Collection method: clinical testing. Allele origin: germline.
Comment: This variant is classified as likely benign based on ACMG/AMP sequence variant interpretation guidelines (Richards et al. 2015 PMID: 25741868, with internal and published modifications).

NM_000817.3(GAD1):c.867+4A>G

Gene: GAD1 (glutamate decarboxylase 1; plus strand). Cytogenetic location: 2q31.1.
Variant type: single nucleotide variant.
Coding change: c.867+4A>G on transcript NM_000817.3 (MANE Select); 4 bases into the intron after coding-DNA position 867, A replaced by G.
Molecular consequence: intron variant.
Genome position (GRCh38, 1-based): chr2:170,845,625, A>G. VCF-style: chr2-170845625-A-G. GRCh37 (hg19) VCF-style: chr2-171702135-A-G.
Identifiers: ClinVar variation 3052662 (VCV003052662.2), dbSNP rs1300078227, ClinGen allele CA537973374.